The following is an entry in ClinVar:

NM_015466.4(PTPN23):c.1120GAG[1] (p.Glu375del)

Gene: PTPN23 (protein tyrosine phosphatase non-receptor type 23; plus strand). Cytogenetic location: 3p21.31.
Variant type: Microsatellite.
Coding change: c.1120GAG[1] on transcript NM_015466.4 (MANE Select); one copy of the 3-base unit GAG starting at c.1120; the reference has two copies in a row; one copy, 3 bases deleted.
Protein change: p.Glu375del; deletes glutamic acid 375.
Molecular consequence: inframe deletion.
Genome position (GRCh38, 1-based): chr3:47,407,894-47,407,896, GAG deleted; deleting any 3 consecutive bases within chr3:47,407,891-47,407,896 gives the same sequence; the position shown is the placement nearest the transcript's 3' end. VCF-style (leftmost placement, unchanged base first): chr3-47407890-TGAG-T. GRCh37 (hg19) VCF-style: chr3-47449380-TGAG-T.
Other names: c.742GAG[1], p.Glu249del (NM_001304482.2); short protein forms E249del, E375del.
Identifiers: ClinVar variation 1365939 (VCV001365939.6), dbSNP rs1347562252, ClinGen allele CA907614825.

ClinVar aggregate classification (germline): Uncertain significance (1 of 4 stars; one submission).

Submission:

Labcorp Genetics (formerly Invitae), Labcorp
Classification: Uncertain significance. Last evaluated: 2022-08-23. Review status: criteria provided, single submitter. Criteria: Invitae Variant Classification Sherloc (09022015). Collection method: clinical testing. Allele origin: germline.
Comment: Experimental studies and prediction algorithms are not available or were not evaluated, and the functional significance of this variant is currently unknown. This variant, c.1123_1125del, results in the deletion of 1 amino acid(s) of the PTPN23 protein (p.Glu375del), but otherwise preserves the integrity of the reading frame. This variant is not present in population databases (gnomAD no frequency). This variant has not been reported in the literature in individuals affected with PTPN23-related conditions. In summary, the available evidence is currently insufficient to determine the role of this variant in disease. Therefore, it has been classified as a Variant of Uncertain Significance.